The following is an entry in ClinVar:

ClinVar aggregate classification (germline): Uncertain significance (1 of 4 stars; one submission).

Submission:

GeneDx
Classification: Uncertain significance. Last evaluated: 2024-03-20. Review status: criteria provided, single submitter. Criteria: GeneDx Variant Classification Process June 2021. Collection method: clinical testing. Allele origin: germline. Affected: yes.
Comment: Not observed at significant frequency in large population cohorts (gnomAD); In silico analysis supports that this missense variant does not alter protein structure/function; Has not been previously published as pathogenic or benign to our knowledge

NM_001003694.2(BRPF1):c.1451A>T (p.Lys484Met)

Gene: BRPF1 (bromodomain and PHD finger containing 1; plus strand). Cytogenetic location: 3p25.3.
Variant type: single nucleotide variant.
Coding change: c.1451A>T on transcript NM_001003694.2 (MANE Select); coding-DNA position 1451, A replaced by T.
Protein change: p.Lys484Met; replaces lysine 484 with methionine.
Molecular consequence: missense variant. On other transcripts: non-coding transcript variant (1).
Genome position (GRCh38, 1-based): chr3:9,739,850, A>T. VCF-style: chr3-9739850-A-T. GRCh37 (hg19) VCF-style: chr3-9781534-A-T.
Other names: c.1451A>T, p.Lys484Met (NM_001319049.2, NM_001319050.2, NM_001410704.1 and 1 more transcripts); short protein forms K484M.
Identifiers: ClinVar variation 3371182 (VCV003371182.1).
Genomic context (GRCh38, chr3:9,739,850, plus strand): 5'-GTGAGGAGGATGAAGATGAGGAGGAGGATGAGGGTAAGGGCTGGAGCTCAGAGAAAGTCA[A>T]GAAGGCCAAGGCCAAGTCCCGGATCAAAATGAAGAAGGCACGGAAGATCCTGGCAGAGAA-3'
Protein context (NP_001003694.1, residues 474-494): EGKGWSSEKV[Lys484Met]KAKAKSRIKM